The following is an entry in ClinVar:

NM_001267550.2(TTN):c.9649G>A (p.Glu3217Lys)

Gene: TTN (titin; minus strand). Cytogenetic location: 2q31.2.
Variant type: single nucleotide variant.
Coding change: c.9649G>A on transcript NM_001267550.2 (MANE Select); coding-DNA position 9649, G replaced by A.
Protein change: p.Glu3217Lys; replaces glutamic acid 3217 with lysine.
Molecular consequence: missense variant.
Genome position (GRCh38, 1-based): chr2:178,766,435, C>T on the plus strand (G>A on the coding strand, the complement: TTN is on the minus strand). VCF-style: chr2-178766435-C-T. GRCh37 (hg19) VCF-style: chr2-179631162-C-T.
Other names: c.9649G>A, p.Glu3217Lys (NM_001256850.1, NM_133378.4, NM_133379.5); c.9511G>A, p.Glu3171Lys (NM_003319.4, NM_133432.3, NM_133437.4); short protein forms E3171K, E3217K.
Identifiers: ClinVar variation 4682208 (VCV004682208.1).

ClinVar aggregate classification (germline): Uncertain significance (1 of 4 stars; one submission).

gnomAD v4.1: 50 of 1,614,006 alleles (0.0031%); highest among the groups gnomAD compares: South Asian, 0.054%; no homozygotes.

Submission:

Athena Diagnostics
Classification: Uncertain significance. Last evaluated: 2025-10-10. Review status: criteria provided, single submitter. Criteria: Athena Diagnostics Criteria. Collection method: clinical testing. Allele origin: unknown.
Comment: Available data are insufficient to determine the clinical significance of the variant at this time. The frequency of this variant in the general population is higher than would generally be expected for pathogenic variants in this gene. Polyphen and MutationTaster predict this amino acid change may be benign.